The following is an entry in ClinVar:

ClinVar aggregate classification (germline): Conflicting classifications of pathogenicity. Review status: criteria provided, conflicting classifications (1 of 4 stars). 5 submissions from 5 submitters: Pathogenic (1); Uncertain significance (3). 1 of the submissions does not count toward it. Last evaluated 2025-10-09.

Conditions:
Retinitis pigmentosa 26 (RP26). Identifiers: Orphanet 791, MedGen C1842127, MONDO:0012024, OMIM 608380.

Allele frequency attached by ClinVar (database versions not stated): gnomAD exomes below 0.00001; ExAC 0.00001; gnomAD 0.00001; TOPMed 0.00001.

Submissions (5):

Myriad Genetics, Inc.
Classification: Uncertain significance for Retinitis pigmentosa 26. Last evaluated: 2025-10-09. Review status: criteria provided, single submitter. Criteria: Myriad Autosomal Dominant, Autosomal Recessive and X-Linked Classification Criteria (2023). Collection method: clinical testing. Allele origin: unknown.
Comment: NM_001030311.2(CERKL):c.1628_1632dup5(I545Dfs*13) is a frameshift variant classified as a variant of uncertain significance in the context of retinitis pigmentosa, CERKL-related. I545Dfs*13 has been observed in cases with relevant disease (PMID: 32646556, 36819107). Relevant functional assessments of this variant are not available in the literature.I545Dfs*13 has been observed in referenced population frequency databases. In summary, there is insufficient evidence to classify NM_001030311.2(CERKL):c.1628_1632dup5(I545Dfs*13) as pathogenic or benign. Please note: this variant was assessed in the context of healthy population screening.

Baylor Genetics
Classification: Pathogenic for Retinitis pigmentosa 26. Last evaluated: 2023-11-29. Review status: criteria provided, single submitter. Criteria: ACMG Guidelines, 2015. Collection method: clinical testing. Allele origin: unknown.

Blueprint Genetics
Classification: Uncertain significance. Last evaluated: 2023-09-07. Review status: criteria provided, single submitter. Criteria: ACMG Guidelines, 2015. Collection method: clinical testing. Allele origin: germline.

Labcorp Genetics (formerly Invitae), Labcorp
Classification: Uncertain significance. Last evaluated: 2022-06-04. Review status: criteria provided, single submitter. Criteria: Invitae Variant Classification Sherloc (09022015). Collection method: clinical testing. Allele origin: germline.
Comment: This sequence change creates a premature translational stop signal (p.Ile545Aspfs*13) in the CERKL gene. While this is not anticipated to result in nonsense mediated decay, it is expected to disrupt the last 14 amino acid(s) of the CERKL protein. This variant is present in population databases (rs773497189, gnomAD 0.007%). This variant has not been reported in the literature in individuals affected with CERKL-related conditions. ClinVar contains an entry for this variant (Variation ID: 522513). This variant disrupts a region of the CERKL protein in which other variant(s) (p.Ser551Cys) have been observed in individuals with CERKL-related conditions (PMID: 29555955). This suggests that this is a clinically significant region of the protein, and that variants that disrupt it are likely to be disease-causing. In summary, the available evidence is currently insufficient to determine the role of this variant in disease. Therefore, it has been classified as a Variant of Uncertain Significance.

Bioscientia Institut fuer Medizinische Diagnostik GmbH, Sonic Healthcare
Classification: Pathogenic for Retinitis pigmentosa 26. Last evaluated: 2017-10-11. Review status: no assertion criteria provided. Collection method: clinical testing. Allele origin: germline. Affected: yes. Not counted in ClinVar's aggregate classification.

Literature cited by the submitters: PubMed 32646556 (cited by Myriad Genetics, Inc.); PubMed 36819107 (cited by Myriad Genetics, Inc.); PubMed 29555955 (cited by Labcorp Genetics (formerly Invitae), Labcorp).

NM_201548.5(CERKL):c.1550_1554dup (p.Ile519fs)

Genes: CERKL (CERK like autophagy regulator; minus strand), ITGA4 (integrin subunit alpha 4; plus strand). Cytogenetic location: 2q31.3.
Variant type: Duplication.
Coding change: c.1550_1554dup on transcript NM_201548.5 (MANE Select); coding-DNA positions 1550 to 1554, 5 bases duplicated (GACTT; older notation c.1550_1554dupGACTT).
Protein change: p.Ile519fs; shifts the reading frame from isoleucine 519.
Molecular consequence: frameshift variant. On other transcripts: 3 prime UTR variant (1), non-coding transcript variant (2).
Genome position (GRCh38, 1-based): chr2:181,538,229-181,538,233, AAGTC duplicated on the plus strand (GACTT on the coding strand, the reverse complement: CERKL is on the minus strand). VCF-style (leftmost placement, unchanged base first): chr2-181538228-T-TAAGTC. GRCh37 (hg19) VCF-style: chr2-182402955-T-TAAGTC.
Other names: c.*2702_*2706dup (NM_000885.6); c.1628_1632dup, p.Ile545fs (NM_001030311.3); c.1211_1215dup, p.Ile406fs (NM_001030312.3); c.1343_1347dup, p.Ile450fs (NM_001030313.3); c.1496_1500dup, p.Ile501fs (NM_001160277.2); c.1628_1632dupGACTT (NM_001030311.2); short protein forms I450fs, I519fs, I545fs, I406fs, I501fs.
Identifiers: ClinVar variation 522513 (VCV000522513.8), dbSNP rs773497189, ClinGen allele CA2010380.